The following is an entry in ClinVar:

ClinVar aggregate classification (germline): Uncertain significance (1 of 4 stars; one submission).

Allele frequency attached by ClinVar (database versions not stated): gnomAD exomes 0.00001; ExAC 0.00002; gnomAD 0.00004; TOPMed 0.00011.
gnomAD v4.1: 22 of 1,613,950 alleles (0.0014%); highest among the groups gnomAD compares: African/African-American, 0.028%; no homozygotes.

Submission:

Labcorp Genetics (formerly Invitae), Labcorp
Classification: Uncertain significance. Last evaluated: 2025-02-16. Review status: criteria provided, single submitter. Criteria: Invitae Variant Classification Sherloc (09022015). Collection method: clinical testing. Allele origin: germline.
Comment: This sequence change replaces alanine, which is neutral and non-polar, with serine, which is neutral and polar, at codon 529 of the EGF protein (p.Ala529Ser). This variant is present in population databases (rs768225219, gnomAD 0.01%). This variant has not been reported in the literature in individuals affected with EGF-related conditions. ClinVar contains an entry for this variant (Variation ID: 2413247). An algorithm developed to predict the effect of missense changes on protein structure and function (PolyPhen-2) suggests that this variant is likely to be disruptive. In summary, the available evidence is currently insufficient to determine the role of this variant in disease. Therefore, it has been classified as a Variant of Uncertain Significance.

NM_001963.6(EGF):c.1585G>T (p.Ala529Ser)

Gene: EGF (epidermal growth factor; plus strand). Cytogenetic location: 4q25.
Variant type: single nucleotide variant.
Coding change: c.1585G>T on transcript NM_001963.6 (MANE Select); coding-DNA position 1585, G replaced by T.
Protein change: p.Ala529Ser; replaces alanine 529 with serine.
Molecular consequence: missense variant.
Genome position (GRCh38, 1-based): chr4:109,968,980, G>T. VCF-style: chr4-109968980-G-T. GRCh37 (hg19) VCF-style: chr4-110890136-G-T.
Other names: c.1585G>T, p.Ala529Ser (NM_001178130.3); c.1459G>T, p.Ala487Ser (NM_001178131.3, NM_001357021.2); short protein forms A487S, A529S.
Identifiers: ClinVar variation 2413247 (VCV002413247.5), dbSNP rs768225219, ClinGen allele CA3043734.